The following is an entry in ClinVar:

NM_000433.4(NCF2):c.670-4A>G

Gene: NCF2 (neutrophil cytosolic factor 2; minus strand). Cytogenetic location: 1q25.3.
Variant type: single nucleotide variant.
Coding change: c.670-4A>G on transcript NM_000433.4 (MANE Select); 4 bases into the intron before coding-DNA position 670, A replaced by G.
Molecular consequence: intron variant.
Genome position (GRCh38, 1-based): chr1:183,569,189, T>C on the plus strand (A>G on the coding strand, the complement: NCF2 is on the minus strand). VCF-style: chr1-183569189-T-C. GRCh37 (hg19) VCF-style: chr1-183538324-T-C.
Other names: c.670-4A>G (NM_001127651.3); c.427-4A>G (NM_001190789.2); c.535-4A>G (NM_001190794.2).
Identifiers: ClinVar variation 861672 (VCV000861672.10), dbSNP rs777409864, ClinGen allele CA916082094.

ClinVar aggregate classification (germline): Uncertain significance (1 of 4 stars; one submission).

Conditions:
Granulomatous disease, chronic, autosomal recessive, cytochrome b-positive, type 2. Also called: Chronic granulomatous disease due to deficiency of NCF-2; Chronic Granulomatous Disease, Autosomal Recessive, Cytochrome b-Positive, Type II; GRANULOMATOUS DISEASE, CHRONIC, DUE TO NCF2 DEFICIENCY; GRANULOMATOUS DISEASE, CHRONIC, AUTOSOMAL RECESSIVE, 2; CGD, AUTOSOMAL RECESSIVE CYTOCHROME b-POSITIVE, TYPE II. Identifiers: Orphanet 379, MedGen C1856245, MONDO:0009310, OMIM 233710.

Submission:

Labcorp Genetics (formerly Invitae), Labcorp
Classification: Uncertain significance for Granulomatous disease, chronic, autosomal recessive, cytochrome b-positive, type 2. Last evaluated: 2019-04-20. Review status: criteria provided, single submitter. Criteria: Invitae Variant Classification Sherloc (09022015). Collection method: clinical testing. Allele origin: germline.
Comment: This sequence change falls in intron 6 of the NCF2 gene. It does not directly change the encoded amino acid sequence of the NCF2 protein. This variant is not present in population databases (ExAC no frequency). This variant has not been reported in the literature in individuals with NCF2-related conditions. Algorithms developed to predict the effect of sequence changes on RNA splicing suggest that this variant may disrupt the consensus splice site, but this prediction has not been confirmed by published transcriptional studies. In summary, the available evidence is currently insufficient to determine the role of this variant in disease. Therefore, it has been classified as a Variant of Uncertain Significance.